The following is an entry in ClinVar:

ClinVar aggregate classification (germline): Uncertain significance (1 of 4 stars; one submission).

Conditions:
PPARG-related familial partial lipodystrophy. Also called: LIPODYSTROPHY, FAMILIAL PARTIAL, ASSOCIATED WITH PPARG MUTATIONS. Identifiers: Orphanet 79083, MedGen C1720861, MONDO:0011448, OMIM 604367.

Submission:

OLLIN Analises Genomicas, OLLIN
Classification: Uncertain significance for PPARG-related familial partial lipodystrophy. Last evaluated: 2026-08-06. Review status: criteria provided, single submitter. Criteria: ACMG Guidelines 2015 PMID 25741868. Collection method: clinical testing. Allele origin: germline. Inheritance: Autosomal dominant inheritance.
Comment: This missense variant, located in exon 7 (of 8), is absent from gnomAD and ClinVar and has not been identified in the literature. In silico analysis is inconclusive regarding the impact of this variant. This gene is constrained for missense variation. According to the currently available evidence, this variant has been classified as uncertain significance (PM2_P, PP2).

NM_138711.6(PPARG):c.1027C>G (p.Gln343Glu)

Gene: PPARG (peroxisome proliferator activated receptor gamma; plus strand). Cytogenetic location: 3p25.2.
Variant type: single nucleotide variant.
Coding change: c.1027C>G on transcript NM_138711.6 (MANE Select); coding-DNA position 1027, C replaced by G.
Protein change: p.Gln343Glu; replaces glutamine 343 with glutamic acid.
Molecular consequence: missense variant. On other transcripts: intron variant (5).
Genome position (GRCh38, 1-based): chr3:12,417,001, C>G. VCF-style: chr3-12417001-C-G. GRCh37 (hg19) VCF-style: chr3-12458500-C-G.
Other names: c.1027C>G, p.Gln343Glu (NM_001354666.3, NM_001354667.3, NM_001374263.2 and 3 more transcripts); c.400C>G, p.Gln134Glu (NM_001354669.2); c.1117C>G, p.Gln373Glu (NM_015869.5); c.729+10920C>G (NM_001374261.3, NM_001374262.3, NM_001330615.4); c.653+11002C>G (NM_001374266.1); c.819+10920C>G (NM_001374265.1); short protein forms Q343E, Q134E, Q373E.
Identifiers: ClinVar variation 5002783 (VCV005002783.1).